The following is an entry in ClinVar:

NM_000043.6(FAS):c.197-1G>A

Gene: FAS (Fas cell surface death receptor; plus strand). Cytogenetic location: 10q23.31.
Variant type: single nucleotide variant.
Coding change: c.197-1G>A on transcript NM_000043.6 (MANE Select); the canonical splice acceptor site of the intron before coding-DNA position 197, G replaced by A.
Molecular consequence: splice acceptor variant.
Genome position (GRCh38, 1-based): chr10:89,007,699, G>A. VCF-style: chr10-89007699-G-A. GRCh37 (hg19) VCF-style: chr10-90767456-G-A.
Other names: c.197-1G>A (NM_152872.4, NM_001320619.2, NM_152871.4); c.242-1G>A (NM_001410956.1).
Identifiers: ClinVar variation 1473254 (VCV001473254.6), dbSNP rs2133502090, ClinGen allele CA377508068.

ClinVar aggregate classification (germline): Likely pathogenic (1 of 4 stars; one submission).

Conditions:
Autoimmune lymphoproliferative syndrome type 1. Also called: AUTOIMMUNE LYMPHOPROLIFERATIVE SYNDROME, TYPE I, AUTOSOMAL DOMINANT. Identifiers: Orphanet 3261, MedGen C2717884, MONDO:0011158, OMIM 601859.

Submission:

Labcorp Genetics (formerly Invitae), Labcorp
Classification: Likely pathogenic for Autoimmune lymphoproliferative syndrome. Last evaluated: 2021-08-16. Review status: criteria provided, single submitter. Criteria: Invitae Variant Classification Sherloc (09022015). Collection method: clinical testing. Allele origin: germline.
Comment: This variant is not present in population databases (ExAC no frequency). This sequence change affects an acceptor splice site in intron 2 of the FAS gene. RNA analysis indicates that disruption of this splice site induces altered splicing and likely results in a shortened protein product. Disruption of this splice site has been observed in individuals with clinical features of autoimmune lymphoproliferative syndrome (PMID: 21490157, 22237435; Invitae). This variant is also known as p.G66_H111. Studies have shown that disruption of this splice site results in skipping of 3, but is expected to preserve the integrity of the reading-frame (PMID: 21490157). In summary, the currently available evidence indicates that the variant is pathogenic, but additional data are needed to prove that conclusively. Therefore, this variant has been classified as Likely Pathogenic.

Literature cited by the submitters: PubMed 21490157; PubMed 22237435.